The following is an entry in ClinVar:

ClinVar aggregate classification (germline): Likely benign. Review status: criteria provided, multiple submitters, no conflicts (2 of 4 stars). 7 submissions from 7 submitters: Likely benign (3). 4 of the submissions do not count toward it. Last evaluated 2026-01-11.

Conditions:
Cardiovascular phenotype. Identifiers: MedGen CN230736.
Autosomal recessive limb-girdle muscular dystrophy type 2J (LGMDR10). Also called: MUSCULAR DYSTROPHY, LIMB-GIRDLE, AUTOSOMAL RECESSIVE 10; Limb-girdle muscular dystrophy, type 2J. Identifiers: Orphanet 140922, MedGen C1837342, MONDO:0012127, OMIM 608807.
Dilated cardiomyopathy 1G (CMD1G). Identifiers: Orphanet 154, MedGen C1858763, MONDO:0011400, OMIM 604145.
TTN-related disorder. Also called: TTN-related disorders; TTN-related condition; TTN-related disease.

Allele frequency attached by ClinVar (database versions not stated): gnomAD 0.00001 and 0.00003; gnomAD exomes 0.00002 and 0.00004; ExAC 0.00003; TOPMed 0.00005; ESP Exome Variant Server 0.00017; 1000 Genomes Project 30x 0.00031; 1000 Genomes Project 0.00040.
gnomAD v4.1: 38 of 1,597,232 alleles (0.0024%); highest among the groups gnomAD compares: African/African-American, 0.016%; no homozygotes.

Submissions (7):

Labcorp Genetics (formerly Invitae), Labcorp
Classification: Likely benign for Dilated cardiomyopathy 1G; Autosomal recessive limb-girdle muscular dystrophy type 2J. Last evaluated: 2026-01-11. Review status: criteria provided, single submitter. Criteria: Invitae Variant Classification Sherloc (09022015). Collection method: clinical testing. Allele origin: germline.

Blueprint Genetics
Classification: Likely benign. Last evaluated: 2022-10-06. Review status: criteria provided, single submitter. Criteria: ACMG Guidelines, 2015. Collection method: clinical testing. Allele origin: germline.

Ambry Genetics
Classification: Likely benign for Cardiovascular phenotype. Last evaluated: 2020-08-17. Review status: criteria provided, single submitter. Criteria: Ambry Variant Classification Scheme 2023. Collection method: clinical testing. Allele origin: germline.

PreventionGenetics, part of Exact Sciences
Classification: Likely benign for TTN-related condition. Last evaluated: 2019-03-21. Review status: no assertion criteria provided. Collection method: clinical testing. Allele origin: germline. Not counted in ClinVar's aggregate classification.
Comment: This variant is classified as likely benign based on ACMG/AMP sequence variant interpretation guidelines (Richards et al. 2015 PMID: 25741868, with internal and published modifications).

Clinical Genetics DNA and cytogenetics Diagnostics Lab, Erasmus MC, Erasmus Medical Center
Classification: Likely benign. Review status: no assertion criteria provided. Collection method: clinical testing. Allele origin: germline. Affected: yes. Study: VKGL Data-share Consensus. Not counted in ClinVar's aggregate classification.

Clinical Genetics, Academic Medical Center
Classification: Benign. Review status: no assertion criteria provided. Collection method: clinical testing. Allele origin: germline. Affected: yes. Study: VKGL Data-share Consensus. Not counted in ClinVar's aggregate classification.

Diagnostic Laboratory, Department of Genetics, University Medical Center Groningen
Classification: Likely benign. Review status: no assertion criteria provided. Collection method: clinical testing. Allele origin: germline. Affected: yes. Study: VKGL Data-share Consensus. Not counted in ClinVar's aggregate classification.

NM_001267550.2(TTN):c.63516G>A (p.Pro21172=)

Genes: TTN (titin; minus strand), TTN-AS1 (TTN antisense RNA 1; plus strand). Cytogenetic location: 2q31.2.
Variant type: single nucleotide variant.
Coding change: c.63516G>A on transcript NM_001267550.2 (MANE Select); coding-DNA position 63516, G replaced by A.
Protein change: p.Pro21172=; no amino-acid change (proline 21172 retained).
Molecular consequence: synonymous variant.
Genome position (GRCh38, 1-based): chr2:178,587,793, C>T on the plus strand (G>A on the coding strand, the complement: TTN is on the minus strand). VCF-style: chr2-178587793-C-T. GRCh37 (hg19) VCF-style: chr2-179452520-C-T.
Other names: c.58593G>A, p.Pro19531= (NM_001256850.1); c.36321G>A, p.Pro12107= (NM_003319.4); c.55812G>A, p.Pro18604= (NM_133378.4); c.36696G>A, p.Pro12232= (NM_133432.3); c.36897G>A, p.Pro12299= (NM_133437.4).
Identifiers: ClinVar variation 699022 (VCV000699022.22), dbSNP rs372493799, ClinGen allele CA1992072.